The following is an entry in ClinVar:

ClinVar aggregate classification (germline): Uncertain significance (1 of 4 stars; one submission).

Conditions:
Familial cancer of breast. Also called: hereditary breast carcinoma; BREAST CANCER, FAMILIAL; Hereditary breast cancer. Identifiers: Orphanet 227535, MedGen C0346153, MONDO:0016419, OMIM 114480. Disease mechanism: loss of function.
Fanconi anemia complementation group J. Also called: BRIP1-Related Fanconi Anemia. Identifiers: Orphanet 84, MedGen C1836860, MONDO:0012187, OMIM 609054.

Submission:

Labcorp Genetics (formerly Invitae), Labcorp
Classification: Uncertain significance for Familial cancer of breast; Fanconi anemia complementation group J. Last evaluated: 2021-08-10. Review status: criteria provided, single submitter. Criteria: Invitae Variant Classification Sherloc (09022015). Collection method: clinical testing. Allele origin: germline.
Comment: In summary, the available evidence is currently insufficient to determine the role of this variant in disease. Therefore, it has been classified as a Variant of Uncertain Significance. This variant has not been reported in the literature in individuals with BRIP1-related conditions. This variant is not present in population databases (ExAC no frequency). This sequence change results in a premature translational stop signal in the BRIP1 gene (p.Asn1219Metfs*11). While this is not anticipated to result in nonsense mediated decay, it is expected to disrupt the last 31 amino acid(s) of the BRIP1 protein.

NM_032043.3(BRIP1):c.3656del (p.Asn1219fs)

Gene: BRIP1 (BRCA1 interacting DNA helicase 1; minus strand). Cytogenetic location: 17q23.2.
Variant type: Deletion.
Coding change: c.3656del on transcript NM_032043.3 (MANE Select); coding-DNA position 3656, one base deleted (A; older notation c.3656delA).
Protein change: p.Asn1219fs; shifts the reading frame from asparagine 1219.
Molecular consequence: frameshift variant.
Genome position (GRCh38, 1-based): chr17:61,683,390, T deleted on the plus strand (A on the coding strand, the reverse complement: BRIP1 is on the minus strand); the first of 3 consecutive T bases (chr17:61,683,390-61,683,392); deleting any one gives the same sequence. VCF-style (leftmost placement, unchanged base first): chr17-61683389-AT-A. GRCh37 (hg19) VCF-style: chr17-59760750-AT-A.
Other names: short protein forms N1219fs.
Identifiers: ClinVar variation 1000494 (VCV001000494.7), dbSNP rs2061298543, ClinGen allele CA2269130734.